The following is an entry in ClinVar:

ClinVar aggregate classification (germline): Uncertain significance. Review status: criteria provided, multiple submitters, no conflicts (2 of 4 stars). 2 submissions from 2 submitters: Uncertain significance (2). Last evaluated 2025-12-23.

Conditions:
TMEM67-related disorder. Also called: TMEM67-related disorders; TMEM67-related condition. Identifiers: MedGen CN239423.
Inborn genetic diseases. Identifiers: MedGen C0950123, MeSH D030342.

Submissions (2):

PreventionGenetics, part of Exact Sciences
Classification: Uncertain significance for TMEM67-related condition. Last evaluated: 2025-12-23. Review status: criteria provided, single submitter. Criteria: ACMG Guidelines, 2015. Collection method: clinical testing. Allele origin: germline.
Comment: The TMEM67 c.1466C>A variant is predicted to result in the amino acid substitution p.Thr489Asn. To our knowledge, this variant has not been reported in the literature. This variant is reported in 0.0065% of alleles in individuals of European (Non-Finnish) descent in gnomAD. At this time, the clinical significance of this variant is uncertain due to the absence of conclusive functional and genetic evidence.

Ambry Genetics
Classification: Uncertain significance for Inborn genetic diseases. Last evaluated: 2024-10-06. Review status: criteria provided, single submitter. Criteria: Ambry Variant Classification Scheme 2023. Collection method: clinical testing. Allele origin: germline.

NM_153704.6(TMEM67):c.1466C>A (p.Thr489Asn)

Gene: TMEM67 (transmembrane protein 67; plus strand). Cytogenetic location: 8q22.1.
Variant type: single nucleotide variant.
Coding change: c.1466C>A on transcript NM_153704.6 (MANE Select); coding-DNA position 1466, C replaced by A.
Protein change: p.Thr489Asn; replaces threonine 489 with asparagine.
Molecular consequence: missense variant. On other transcripts: non-coding transcript variant (1).
Genome position (GRCh38, 1-based): chr8:93,787,897, C>A. VCF-style: chr8-93787897-C-A. GRCh37 (hg19) VCF-style: chr8-94800125-C-A.
Other names: c.1223C>A, p.Thr408Asn (NM_001142301.1); short protein forms T408N, T489N.
Identifiers: ClinVar variation 3458542 (VCV003458542.2).
Genomic context (GRCh38, chr8:93,787,897, plus strand): 5'-TAAATAGTGTCCACCTTGTACCCAACACAATAAATGGAAACATCTACCCTCCCTTAATCA[C>A]CATTGCCTACAGTGACATTGATATCAAAGATGCCAACAGCCAGTCTGTGAAGGTGAGTTC-3'
Protein context (NP_714915.3, residues 479-499): INGNIYPPLI[Thr489Asn]IAYSDIDIKD